The following is an entry in ClinVar:

GRCh38/hg38 1q43-44(chr1:239907336-248919110)x1

Genes: ADSS2 (adenylosuccinate synthase 2; minus strand), AHCTF1 (AT-hook containing transcription factor 1; minus strand), AKT3 (AKT serine/threonine kinase 3; minus strand), AKT3-IT1 (AKT3 intronic transcript 1; minus strand), BECN2 (beclin 2; plus strand) and 272 more. Cytogenetic location: 1q43-44.
Variant type: copy number loss.
Change: copy number 1 (one copy instead of two) of chr1:239,907,336-248,919,110 (9.01 Mb, GRCh38 coordinates, 1-based), cytogenetic band 1q43-44.
Identifiers: ClinVar variation 2582785 (VCV002582785.1).

ClinVar aggregate classification (germline): Pathogenic (1 of 4 stars; one submission).

Conditions:
Intellectual developmental disorder, autosomal dominant 22. Also called: Intellectual disability, autosomal dominant 22. Identifiers: MedGen CN029689, MONDO:0012869, OMIM 612337.

Submission:

Broad Center for Mendelian Genomics, Broad Institute of MIT and Harvard
Classification: Pathogenic for Intellectual developmental disorder, autosomal dominant 22. Last evaluated: 2023-10-03. Review status: criteria provided, single submitter. Criteria: ACMG/ClinGen CNV Guidelines, 2019. Collection method: research. Allele origin: de novo. Inheritance: Autosomal dominant inheritance. Affected: yes.
Comment: The breakpoints have been estimated by exome sequencing only and therefore may not reflect the true breakpoints. The patient phenotype is nonspecific, but is consistent with cases described in the literature and/or published databases with overlapping variants. A deletion with similar genetic overlap has been reported in ClinVar (Variation ID: 148185) and has been interpreted as likely pathogenic by ISCA site 1. There is complete overlap with ZBTB18 gene which is known to be haploinsufficient and has been assessed by the ClinGen Dosage Sensitivity Working Group. There is also complete overlap with the HNRNPU gene which has evidence supporting haploinsufficiency, but has not yet been curated by the ClinGen dosage sensitivity group (PMID: 33874999, 32319732). In summary, the 1q43-q44 deletion meets criteria to be classified as pathogenic. The ACMG/ClinGen evidence codes and points used in this curation are as follows: 1: 0 points, 2: 1.00 points, 3: 0.9 points, 4-5: 0.15 points; Total: 2.05 points; Riggs 2020 (PMID: 3169083).